The following is an entry in ClinVar:

NM_000059.4(BRCA2):c.5298_5301del (p.Lys1767fs)

Gene: BRCA2 (BRCA2 DNA repair associated; plus strand). Cytogenetic location: 13q13.1.
Variant type: Deletion.
Coding change: c.5298_5301del on transcript NM_000059.4 (MANE Select); coding-DNA positions 5298 to 5301, 4 bases deleted (TAAA; older notation c.5298_5301delTAAA).
Protein change: p.Lys1767fs; shifts the reading frame from lysine 1767.
Molecular consequence: frameshift variant.
Genome position (GRCh38, 1-based): chr13:32,339,653-32,339,656, TAAA deleted; deleting any 4 consecutive bases within chr13:32,339,650-32,339,656 gives the same sequence; the c. name uses the placement nearest the transcript's 3' end. VCF-style (leftmost placement, unchanged base first): chr13-32339649-AAAAT-A. GRCh37 (hg19) VCF-style: chr13-32913786-AAAAT-A.
Other names: c.5298_5301delTAAA (NM_000059.3); short protein forms K1767fs.
Identifiers: ClinVar variation 422009 (VCV000422009.10), dbSNP rs1064795500, ClinGen allele CA16619722.
Genomic context (GRCh38, chr13:32,339,649, plus strand): 5'-TGTCTAACAGCTATTCCTACCATTCTGATGAGGTATATAATGATTCAGGATATCTCTCAA[AAAAT>A]AAACTTGATTCTGGTATTGAGCCAGTATTGAAGAATGTTGAAGATCAAAAAAACACTAGT-3'

ClinVar aggregate classification (germline): Pathogenic. Review status: reviewed by expert panel (3 of 4 stars). 3 submissions from 3 submitters: Pathogenic (1). 2 of the submissions do not count toward it. Last evaluated 2017-12-15.

Conditions:
Breast-ovarian cancer, familial, susceptibility to, 2 (BROVCA2). Also called: BRCA2 Hereditary Breast and Ovarian Cancer. Identifiers: Orphanet 145, MedGen C2675520, MONDO:0012933, OMIM 612555. Disease mechanism: loss of function.
Hereditary breast ovarian cancer syndrome. Also called: Hereditary breast and ovarian cancer syndrome; BRCA1- and BRCA2-Associated Hereditary Breast and Ovarian Cancer; Hereditary breast and/or ovarian cancer syndrome; Hereditary breast and ovarian cancer; Breast and ovarian cancer; Hereditary breast and ovarian cancer syndrome (HBOC). Identifiers: Orphanet 145, MedGen C0677776, MeSH D061325, MONDO:0003582. Disease mechanism: loss of function.

Submissions (3):

Evidence-based Network for the Interpretation of Germline Mutant Alleles (ENIGMA)
Classification: Pathogenic for Breast-ovarian cancer, familial, susceptibility to, 2. Last evaluated: 2017-12-15. Review status: reviewed by expert panel. Criteria: ENIGMA BRCA1/2 Classification Criteria (2017-06-29). Collection method: curation. Allele origin: germline. Study: ENIGMA.
Comment: Variant allele predicted to encode a truncated non-functional protein.

Labcorp Genetics (formerly Invitae), Labcorp
Classification: Pathogenic for Hereditary breast ovarian cancer syndrome. Last evaluated: 2021-11-09. Review status: criteria provided, single submitter. Criteria: Invitae Variant Classification Sherloc (09022015). Collection method: clinical testing. Allele origin: germline. Not counted in ClinVar's aggregate classification.
Comment: This sequence change creates a premature translational stop signal (p.Lys1767Leufs*9) in the BRCA2 gene. It is expected to result in an absent or disrupted protein product. Loss-of-function variants in BRCA2 are known to be pathogenic (PMID: 20104584). This variant is not present in population databases (gnomAD no frequency). This variant has not been reported in the literature in individuals affected with BRCA2-related conditions. ClinVar contains an entry for this variant (Variation ID: 422009). For these reasons, this variant has been classified as Pathogenic.

GeneDx
Classification: Pathogenic. Last evaluated: 2017-05-03. Review status: criteria provided, single submitter. Criteria: GeneDx Variant Classification (06012015). Collection method: clinical testing. Allele origin: germline. Affected: yes. Not counted in ClinVar's aggregate classification.
Comment: This deletion of four nucleotides in BRCA2 is denoted c.5298_5301delTAAA at the cDNA level and p.Lys1767LeufsX9 (K1767LfsX9) at the protein level. Using alternate nomenclature, this variant would be defined as BRCA2 5526_5529delTAAA. The normal sequence, with the bases that are deleted in brackets, is CAAAAAA[delTAAA]CTTG. The deletion causes a frameshift which changes a Lysine to a Leucine at codon 1767, and creates a premature stop codon at position 9 of the new reading frame. Although this variant has not, to our knowledge, been reported in the literature, it is predicted to cause loss of normal protein function through either protein truncation or nonsense-mediated mRNA decay. We consider this variant to be pathogenic.

Literature cited by the submitters: PubMed 20104584 (cited by Labcorp Genetics (formerly Invitae), Labcorp).